The following is an entry in ClinVar:

NM_001127222.2(CACNA1A):c.833C>T (p.Ala278Val)

Gene: CACNA1A (calcium voltage-gated channel subunit alpha1 A; minus strand). Cytogenetic location: 19p13.13.
Variant type: single nucleotide variant.
Coding change: c.833C>T on transcript NM_001127222.2 (MANE Select); coding-DNA position 833, C replaced by T.
Protein change: p.Ala278Val; replaces alanine 278 with valine.
Molecular consequence: missense variant.
Genome position (GRCh38, 1-based): chr19:13,359,751, G>A on the plus strand (C>T on the coding strand, the complement: CACNA1A is on the minus strand). VCF-style: chr19-13359751-G-A. GRCh37 (hg19) VCF-style: chr19-13470565-G-A.
Other names: c.833C>T, p.Ala278Val (NM_000068.4, NM_001127221.2, NM_001174080.2 and 1 more transcripts); short protein forms A278V.
Identifiers: ClinVar variation 423662 (VCV000423662.2), dbSNP rs1064796561, ClinGen allele CA16620800.

ClinVar aggregate classification (germline): Uncertain significance (1 of 4 stars; one submission).

Submission:

GeneDx
Classification: Uncertain significance. Last evaluated: 2017-02-22. Review status: criteria provided, single submitter. Criteria: GeneDx Variant Classification (06012015). Collection method: clinical testing. Allele origin: germline. Affected: yes.
Comment: A variant of uncertain significance has been identified in the CACNA1A gene. The A278V variant has not been published as a pathogenic variant, nor has it been reported as a benign variant to our knowledge. The A278V variant is not observed in large population cohorts (Lek et al., 2016; 1000 Genomes Consortium et al., 2015; Exome Variant Server). This substitution occurs at a position that is conserved in mammals and in silico analysis predicts this variant is probably damaging to the protein structure/function. Additionally, missense variants in nearby residues (C272Y, R279C and C287Y) have been reported in Human Gene Mutation Database in association with CACNA1A-related disorders (Stenson et al., 2014), supporting the functional importance of this region of the protein. However, the A278V variant is a conservative amino acid substitution, which is not likely to impact secondary protein structure as these residues share similar properties. Therefore, based on the currently available information, it is unclear whether this variant is a pathogenic variant or a rare benign variant.